The following is an entry in ClinVar:

ClinVar aggregate classification (germline): Uncertain significance (1 of 4 stars; one submission).

gnomAD v4.1: 8 of 1,614,058 alleles (0.0005%); highest among the groups gnomAD compares: Non-Finnish European, 0.00068%; no homozygotes.

Submission:

Labcorp Genetics (formerly Invitae), Labcorp
Classification: Uncertain significance. Last evaluated: 2024-09-04. Review status: criteria provided, single submitter. Criteria: Invitae Variant Classification Sherloc (09022015). Collection method: clinical testing. Allele origin: germline.
Comment: This sequence change replaces isoleucine, which is neutral and non-polar, with valine, which is neutral and non-polar, at codon 468 of the POP1 protein (p.Ile468Val). This variant is present in population databases (rs766912740, gnomAD 0.003%). This variant has not been reported in the literature in individuals affected with POP1-related conditions. An algorithm developed to predict the effect of missense changes on protein structure and function outputs the following: PolyPhen-2: "Benign". The valine amino acid residue is found in multiple mammalian species, which suggests that this missense change does not adversely affect protein function. In summary, the available evidence is currently insufficient to determine the role of this variant in disease. Therefore, it has been classified as a Variant of Uncertain Significance.

NM_001145860.2(POP1):c.1402A>G (p.Ile468Val)

Gene: POP1 (POP1 ribonuclease P/MRP subunit; plus strand). Cytogenetic location: 8q22.2.
Variant type: single nucleotide variant.
Coding change: c.1402A>G on transcript NM_001145860.2 (MANE Select); coding-DNA position 1402, A replaced by G.
Protein change: p.Ile468Val; replaces isoleucine 468 with valine.
Molecular consequence: missense variant.
Genome position (GRCh38, 1-based): chr8:98,140,117, A>G. VCF-style: chr8-98140117-A-G. GRCh37 (hg19) VCF-style: chr8-99152345-A-G.
Other names: c.1402A>G, p.Ile468Val (NM_001145861.2, NM_015029.3); short protein forms I468V.
Identifiers: ClinVar variation 3616649 (VCV003616649.2).